The following is an entry in ClinVar:

ClinVar aggregate classification (germline): Uncertain significance. Review status: criteria provided, single submitter (1 of 4 stars). 2 submissions from 2 submitters: Uncertain significance (1). 1 of the submissions does not count toward it. Last evaluated 2022-08-09.

Conditions:
Glycogen storage disease type III (GSD3). Also called: Cori disease; FORBES DISEASE. Identifiers: Orphanet 366, MedGen C0017922, MONDO:0009291, OMIM 232400.

Allele frequency attached by ClinVar (database versions not stated): TOPMed 0.00001; ExAC 0.00002; gnomAD 0.00006.
gnomAD v4.1: 6 of 1,613,456 alleles (0.00037%); highest among the groups gnomAD compares: Admixed American, 0.01%; no homozygotes.

Submissions (2):

Labcorp Genetics (formerly Invitae), Labcorp
Classification: Uncertain significance for Glycogen storage disease type III. Last evaluated: 2022-08-09. Review status: criteria provided, single submitter. Criteria: Invitae Variant Classification Sherloc (09022015). Collection method: clinical testing. Allele origin: germline.
Comment: This sequence change replaces valine, which is neutral and non-polar, with leucine, which is neutral and non-polar, at codon 1045 of the AGL protein (p.Val1045Leu). This variant is present in population databases (rs747339245, gnomAD 0.01%). This variant has not been reported in the literature in individuals affected with AGL-related conditions. ClinVar contains an entry for this variant (Variation ID: 526560). Algorithms developed to predict the effect of missense changes on protein structure and function (SIFT, PolyPhen-2, Align-GVGD) all suggest that this variant is likely to be tolerated. In summary, the available evidence is currently insufficient to determine the role of this variant in disease. Therefore, it has been classified as a Variant of Uncertain Significance.

Natera, Inc.
Classification: Uncertain significance for Glycogen storage disease type III. Last evaluated: 2019-10-28. Review status: no assertion criteria provided. Collection method: clinical testing. Allele origin: germline. Not counted in ClinVar's aggregate classification.

NM_000642.3(AGL):c.3133G>C (p.Val1045Leu)

Gene: AGL (amylo-alpha-1,6-glucosidase and 4-alpha-glucanotransferase; plus strand). Cytogenetic location: 1p21.2.
Variant type: single nucleotide variant.
Coding change: c.3133G>C on transcript NM_000642.3 (MANE Select); coding-DNA position 3133, G replaced by C.
Protein change: p.Val1045Leu; replaces valine 1045 with leucine.
Molecular consequence: missense variant.
Genome position (GRCh38, 1-based): chr1:99,892,481, G>C. VCF-style: chr1-99892481-G-C. GRCh37 (hg19) VCF-style: chr1-100358037-G-C.
Other names: c.3133G>C, p.Val1045Leu (NM_000028.3, NM_000643.3, NM_000644.3 and 1 more transcripts); c.3085G>C, p.Val1029Leu (NM_000646.3); c.3112G>C, p.Val1038Leu (NM_001425326.1); c.2932G>C, p.Val978Leu (NM_001425327.1); c.2929G>C, p.Val977Leu (NM_001425328.1); c.2794G>C, p.Val932Leu (NM_001425329.1); c.2755G>C, p.Val919Leu (NM_001425332.1); short protein forms V1045L, V1029L, V1038L, V919L, V932L, V977L, V978L.
Identifiers: ClinVar variation 526560 (VCV000526560.8), dbSNP rs747339245, ClinGen allele CA966985.
Genomic context (GRCh38, chr1:99,892,481, plus strand): 5'-TTTTGTTACAGCTTTGTTCAGAATGGTTCAACCTTTGTGAAACACCTTTCATTGGGTTCA[G>C]TTCAACTGTGTGGAGTAGGAAAATTCCCTTCCCTGCCAATTCTTTCACCTGCCCTAATGG-3'
Protein context (NP_000633.2, residues 1035-1055): TFVKHLSLGS[Val1045Leu]QLCGVGKFPS